The following is an entry in ClinVar:

NM_004656.4(BAP1):c.429C>G (p.Ser143Arg)

Gene: BAP1 (BRCA1 associated deubiquitinase 1; minus strand). Cytogenetic location: 3p21.1.
Variant type: single nucleotide variant.
Coding change: c.429C>G on transcript NM_004656.4 (MANE Select); coding-DNA position 429, C replaced by G.
Protein change: p.Ser143Arg; replaces serine 143 with arginine.
Molecular consequence: missense variant.
Genome position (GRCh38, 1-based): chr3:52,407,407, G>C on the plus strand (C>G on the coding strand, the complement: BAP1 is on the minus strand). VCF-style: chr3-52407407-G-C. GRCh37 (hg19) VCF-style: chr3-52441423-G-C.
Other names: c.429C>G, p.Ser143Arg (NM_001410772.1); short protein forms S143R.
Identifiers: ClinVar variation 3260367 (VCV003260367.2).

ClinVar aggregate classification (germline): Uncertain significance. Review status: criteria provided, multiple submitters, no conflicts (2 of 4 stars). 2 submissions from 2 submitters: Uncertain significance (2). Last evaluated 2026-07-01.

Conditions:
Hereditary cancer-predisposing syndrome. Also called: Hereditary Cancer Syndrome; Hereditary neoplastic syndrome; Neoplastic Syndromes, Hereditary; Tumor predisposition. Identifiers: Orphanet 140162, MedGen C0027672, MeSH D009386, MONDO:0015356.

Submissions (2):

CeGaT Center for Human Genetics Tuebingen
Classification: Uncertain significance. Last evaluated: 2026-07-01. Review status: criteria provided, single submitter. Criteria: CeGaT Center For Human Genetics Tuebingen Variant Classification Criteria Version 2. Collection method: clinical testing. Allele origin: germline. Affected: yes. Observed: 1 variant allele.
Comment: BAP1: PM2, PP2

Ambry Genetics
Classification: Uncertain significance for Hereditary cancer-predisposing syndrome. Last evaluated: 2024-03-18. Review status: criteria provided, single submitter. Criteria: Ambry Variant Classification Scheme 2023. Collection method: clinical testing. Allele origin: germline.
Comment: The p.S143R variant (also known as c.429C>G), located in coding exon 6 of the BAP1 gene, results from a C to G substitution at nucleotide position 429. The serine at codon 143 is replaced by arginine, an amino acid with dissimilar properties. This amino acid position is highly conserved in available vertebrate species. In addition, the in silico prediction for this alteration is inconclusive. Based on the available evidence, the clinical significance of this alteration remains unclear.